The following is an entry in ClinVar:

NM_001164508.2(NEB):c.24268del (p.Arg8090fs)

Genes: NEB (nebulin; minus strand), RIF1 (replication timing regulatory factor 1; plus strand). Cytogenetic location: 2q23.3.
Variant type: Deletion.
Coding change: c.24268del on transcript NM_001164508.2 (MANE Select); coding-DNA position 24268, one base deleted (A; older notation c.24268delA).
Protein change: p.Arg8090fs; shifts the reading frame from arginine 8090.
Molecular consequence: frameshift variant. On other transcripts: intron variant (1).
Genome position (GRCh38, 1-based): chr2:151,497,658, T deleted on the plus strand (A on the coding strand, the reverse complement: NEB is on the minus strand); the first of 3 consecutive T bases (chr2:151,497,658-151,497,660); deleting any one gives the same sequence. VCF-style (leftmost placement, unchanged base first): chr2-151497657-CT-C. GRCh37 (hg19) VCF-style: chr2-152354171-CT-C.
Other names: c.24268del, p.Arg8090fs (NM_001164507.2); c.24373del, p.Arg8125fs (NM_001271208.2); c.18826-1290del (NM_004543.5); short protein forms R8090fs, R8125fs.
Identifiers: ClinVar variation 3233269 (VCV003233269.2), dbSNP rs2551853918.
Genomic context (GRCh38, chr2:151,497,657, plus strand): 5'-GTAGTTTTTTTCTTTTCTTGCCAAAGTACCGAGCTAATATTTTCTTGATTGTGTTTGACT[CT>C]TTCCATCTCGGGAGTGACAGGTAAAGGGGTTCCCTTGCCCATGTTTTCTTTGTATAACAC-3'

ClinVar aggregate classification (germline): Pathogenic (1 of 4 stars; one submission).

Conditions:
Nemaline myopathy. Also called: Myopathies, Nemaline. Identifiers: Orphanet 607, MedGen C0206157, MONDO:0018958.

Submission:

Muscle and Diseases Team, Institut de Génétique et Biologie Moléculaire et Cellulaire
Classification: Pathogenic for Nemaline myopathy. Last evaluated: 2024-03-01. Review status: criteria provided, single submitter. Criteria: ACMG Guidelines, 2015. Collection method: research. Allele origin: paternal. Affected: yes. Observed: 1 variant allele.
Comment: PVS1+PS3+PM1+PM2+PP3+PP4

Literature cited by the submitters: DOI 10.1186/s13073-024-01353-0; PubMed 25205138; PubMed 24725366.